The following is an entry in ClinVar:

NM_177550.5(SLC13A5):c.1445C>T (p.Ser482Phe)

Gene: SLC13A5 (solute carrier family 13 member 5; minus strand). Cytogenetic location: 17p13.1.
Variant type: single nucleotide variant.
Coding change: c.1445C>T on transcript NM_177550.5 (MANE Select); coding-DNA position 1445, C replaced by T.
Protein change: p.Ser482Phe; replaces serine 482 with phenylalanine.
Molecular consequence: missense variant. On other transcripts: intron variant (1).
Genome position (GRCh38, 1-based): chr17:6,687,659, G>A on the plus strand (C>T on the coding strand, the complement: SLC13A5 is on the minus strand). VCF-style: chr17-6687659-G-A. GRCh37 (hg19) VCF-style: chr17-6590978-G-A.
Other names: c.1394C>T, p.Ser465Phe (NM_001284509.2); c.1316C>T, p.Ser439Phe (NM_001284510.2); c.1438-1321C>T (NM_001143838.3); short protein forms S439F, S465F, S482F.
Identifiers: ClinVar variation 958142 (VCV000958142.7), dbSNP rs1236635295, ClinGen allele CA397738477.

ClinVar aggregate classification (germline): Uncertain significance (1 of 4 stars; one submission).

Conditions:
Developmental and epileptic encephalopathy, 25 (DEE25). Also called: Developmental and epileptic encephalopathy 25, with amelogenesis imperfecta; Epileptic encephalopathy, early infantile, 25, with amelogenesis imperfecta; Epileptic encephalopathy, early infantile, 25. Identifiers: Orphanet 442835, MedGen C4014621, MONDO:0014392, OMIM 615905.

Allele frequency attached by ClinVar (database versions not stated): gnomAD exomes below 0.00001; TOPMed 0.00001.
gnomAD v4.1: 1 of 1,596,604 alleles (0.000063%); highest among the groups gnomAD compares: Non-Finnish European, 0.000085%; no homozygotes.

Submission:

Labcorp Genetics (formerly Invitae), Labcorp
Classification: Uncertain significance for Developmental and epileptic encephalopathy, 25. Last evaluated: 2022-03-19. Review status: criteria provided, single submitter. Criteria: Invitae Variant Classification Sherloc (09022015). Collection method: clinical testing. Allele origin: germline.
Comment: This sequence change replaces serine, which is neutral and polar, with phenylalanine, which is neutral and non-polar, at codon 482 of the SLC13A5 protein (p.Ser482Phe). This variant is present in population databases (no rsID available, gnomAD 0.0009%). This variant has not been reported in the literature in individuals affected with SLC13A5-related conditions. ClinVar contains an entry for this variant (Variation ID: 958142). Algorithms developed to predict the effect of missense changes on protein structure and function (SIFT, PolyPhen-2, Align-GVGD) all suggest that this variant is likely to be disruptive. In summary, the available evidence is currently insufficient to determine the role of this variant in disease. Therefore, it has been classified as a Variant of Uncertain Significance.